The following is an entry in ClinVar:

ClinVar aggregate classification (germline): Benign (1 of 4 stars; one submission).

Conditions:
Familial cancer of breast. Also called: Hereditary breast cancer; BREAST CANCER, FAMILIAL; hereditary breast carcinoma. Identifiers: Orphanet 227535, MedGen C0346153, MONDO:0016419, OMIM 114480. Disease mechanism: loss of function.

Submission:

Myriad Genetics, Inc.
Classification: Benign for Familial cancer of breast. Last evaluated: 2024-10-01. Review status: criteria provided, single submitter. Criteria: Myriad Autosomal Dominant, Autosomal Recessive and X-Linked Classification Criteria (2023). Collection method: clinical testing. Allele origin: unknown.
Comment: This variant is considered benign. This variant is a silent/synonymous amino acid change and it is not expected to impact splicing.

NM_007194.4(CHEK2):c.42C>G (p.Gly14=)

Gene: CHEK2 (checkpoint kinase 2; minus strand). Cytogenetic location: 22q12.1.
Variant type: single nucleotide variant.
Coding change: c.42C>G on transcript NM_007194.4 (MANE Select); coding-DNA position 42, C replaced by G.
Protein change: p.Gly14=; no amino-acid change (glycine 14 retained).
Molecular consequence: synonymous variant.
Genome position (GRCh38, 1-based): chr22:28,734,680, G>C on the plus strand (C>G on the coding strand, the complement: CHEK2 is on the minus strand). VCF-style: chr22-28734680-G-C. GRCh37 (hg19) VCF-style: chr22-29130668-G-C.
Other names: c.42C>G, p.Gly14= (NM_001005735.3, NM_001349956.3, NM_145862.3); c.-736C>G (NM_001257387.3).
Identifiers: ClinVar variation 3772950 (VCV003772950.1).
Genomic context (GRCh38, chr22:28,734,680, plus strand): 5'-CTGTGAGGAGGAGCCTTGGGACTGGGTAACGCTGCCATGGGGCTGTGAACAGGCACTGCT[G>C]CCATGAGACTGCTGAGCCTCAACATCCGACTCCCGAGACATCACGACCTCAAAAAGAAAG-3'
Protein context (NP_009125.1, residues 4-24): ESDVEAQQSH[Gly14=]SSACSQPHGS